The following is an entry in ClinVar:

ClinVar aggregate classification (germline): Uncertain significance (1 of 4 stars; one submission).

Conditions:
Hereditary cancer-predisposing syndrome. Also called: Neoplastic Syndromes, Hereditary; Tumor predisposition; Hereditary neoplastic syndrome; Hereditary Cancer Syndrome. Identifiers: Orphanet 140162, MedGen C0027672, MeSH D009386, MONDO:0015356.
Cardiovascular phenotype. Identifiers: MedGen CN230736.

gnomAD v4.1: 1 of 1,613,838 alleles (0.000062%); highest among the groups gnomAD compares: South Asian, 0.0011%; no homozygotes.

Submission:

Ambry Genetics
Classification: Uncertain significance for Cardiovascular phenotype; Hereditary cancer-predisposing syndrome. Last evaluated: 2023-12-08. Review status: criteria provided, single submitter. Criteria: Ambry Variant Classification Scheme 2023. Collection method: clinical testing. Allele origin: germline.
Comment: The p.I821M variant (also known as c.2463A>G), located in coding exon 21 of the LZTR1 gene, results from an A to G substitution at nucleotide position 2463. The isoleucine at codon 821 is replaced by methionine, an amino acid with highly similar properties. This amino acid position is conserved. In addition, this alteration is predicted to be tolerated by in silico analysis. Since supporting evidence is limited at this time, the clinical significance of this alteration remains unclear.

NM_006767.4(LZTR1):c.2463A>G (p.Ile821Met)

Gene: LZTR1 (leucine zipper like post translational regulator 1; plus strand). Cytogenetic location: 22q11.21.
Variant type: single nucleotide variant.
Coding change: c.2463A>G on transcript NM_006767.4 (MANE Select); coding-DNA position 2463, A replaced by G.
Protein change: p.Ile821Met; replaces isoleucine 821 with methionine.
Molecular consequence: missense variant.
Genome position (GRCh38, 1-based): chr22:20,997,288, A>G. VCF-style: chr22-20997288-A-G. GRCh37 (hg19) VCF-style: chr22-21351577-A-G.
Other names: short protein forms I821M.
Identifiers: ClinVar variation 3238253 (VCV003238253.1), dbSNP rs1198488737.